The following is an entry in ClinVar:

NM_000093.5(COL5A1):c.5426A>C (p.Gln1809Pro)

Genes: COL5A1 (collagen type V alpha 1 chain; plus strand), LOC101448202 (uncharacterized LOC101448202; minus strand). Cytogenetic location: 9q34.3.
Variant type: single nucleotide variant.
Coding change: c.5426A>C on transcript NM_000093.5 (MANE Select); coding-DNA position 5426, A replaced by C.
Protein change: p.Gln1809Pro; replaces glutamine 1809 with proline.
Molecular consequence: missense variant.
Genome position (GRCh38, 1-based): chr9:134,842,212, A>C. VCF-style: chr9-134842212-A-C. GRCh37 (hg19) VCF-style: chr9-137734058-A-C.
Other names: c.5426A>C, p.Gln1809Pro (NM_001278074.1); short protein forms Q1809P.
Identifiers: ClinVar variation 938601 (VCV000938601.12), dbSNP rs1830127790, ClinGen allele CA375461880.

ClinVar aggregate classification (germline): Uncertain significance. Review status: criteria provided, multiple submitters, no conflicts (2 of 4 stars). 3 submissions from 3 submitters: Uncertain significance (3). Last evaluated 2026-01-26.

Conditions:
Ehlers-Danlos syndrome, classic type, 1 (EDSCL1). Also called: Ehlers-Danlos syndrome, type 1; EHLERS-DANLOS SYNDROME, GRAVIS TYPE; EHLERS-DANLOS SYNDROME, SEVERE CLASSIC TYPE; EDS I; Ehlers-Danlos Syndrome, Classic Type, COL5A1-Related. Identifiers: MedGen C0268335, MONDO:0019567, OMIM 130000.

Allele frequency attached by ClinVar (database versions not stated): gnomAD 0.00001; TOPMed below 0.00001.
gnomAD v4.1: 1 of 1,614,108 alleles (0.000062%); highest among the groups gnomAD compares: Non-Finnish European, 0.000085%; no homozygotes.

Submissions (3):

Women's Health and Genetics/Laboratory Corporation of America, LabCorp
Classification: Uncertain significance. Last evaluated: 2026-01-26. Review status: criteria provided, single submitter. Criteria: LabCorp Variant Classification Summary - May 2015. Collection method: clinical testing. Allele origin: germline.
Comment: Variant summary: COL5A1 c.5426A>C (p.Gln1809Pro) results in a non-conservative amino acid change in the encoded protein sequence. Algorithms developed to predict the effect of missense changes on protein structure and function all suggest that this variant is likely to be disruptive. The variant was absent in 251434 control chromosomes. The available data on variant occurrences in the general population are insufficient to allow any conclusion about variant significance. To our knowledge, no occurrence of c.5426A>C in individuals affected with COL5A1-related conditions and no experimental evidence demonstrating its impact on protein function have been reported. ClinVar contains an entry for this variant (Variation ID: 938601). Based on the evidence outlined above, the variant was classified as uncertain significance.

MGZ Medical Genetics Center
Classification: Uncertain significance for Ehlers-Danlos syndrome, classic type, 1. Last evaluated: 2022-05-20. Review status: criteria provided, single submitter. Criteria: ACMG Guidelines, 2015. Collection method: clinical testing. Allele origin: germline. Affected: yes. Observed: 1 variant allele.
Comment: ACMG criteria applied: PM2_SUP, PP3

Labcorp Genetics (formerly Invitae), Labcorp
Classification: Uncertain significance for Ehlers-Danlos syndrome, classic type, 1. Last evaluated: 2019-09-19. Review status: criteria provided, single submitter. Criteria: Invitae Variant Classification Sherloc (09022015). Collection method: clinical testing. Allele origin: germline.
Comment: In summary, the available evidence is currently insufficient to determine the role of this variant in disease. Therefore, it has been classified as a Variant of Uncertain Significance. Algorithms developed to predict the effect of missense changes on protein structure and function are either unavailable or do not agree on the potential impact of this missense change (SIFT: "Deleterious"; PolyPhen-2: "Not Available"; Align-GVGD: "Class C0"). This variant has not been reported in the literature in individuals with COL5A1-related conditions. This variant is not present in population databases (ExAC no frequency). This sequence change replaces glutamine with proline at codon 1809 of the COL5A1 protein (p.Gln1809Pro). The glutamine residue is highly conserved and there is a moderate physicochemical difference between glutamine and proline.